The following is an entry in ClinVar:

NM_000368.5(TSC1):c.1848C>G (p.Ala616=)

Gene: TSC1 (TSC complex subunit 1; minus strand). Cytogenetic location: 9q34.13.
Variant type: single nucleotide variant.
Coding change: c.1848C>G on transcript NM_000368.5 (MANE Select); coding-DNA position 1848, C replaced by G.
Protein change: p.Ala616=; no amino-acid change (alanine 616 retained).
Molecular consequence: synonymous variant.
Genome position (GRCh38, 1-based): chr9:132,905,730, G>C on the plus strand (C>G on the coding strand, the complement: TSC1 is on the minus strand). VCF-style: chr9-132905730-G-C. GRCh37 (hg19) VCF-style: chr9-135781117-G-C.
Other names: c.1845C>G, p.Ala615= (NM_001162426.2); c.1695C>G, p.Ala565= (NM_001162427.2); c.1485C>G, p.Ala495= (NM_001362177.2).
Identifiers: ClinVar variation 744084 (VCV000744084.15), dbSNP rs752286096, ClinGen allele CA467813129.

ClinVar aggregate classification (germline): Benign/Likely benign. Review status: criteria provided, multiple submitters, no conflicts (2 of 4 stars). 4 submissions from 4 submitters: Benign (1); Likely benign (3). Last evaluated 2025-11-11.

Conditions:
Hereditary cancer-predisposing syndrome. Also called: Tumor predisposition; Hereditary neoplastic syndrome; Neoplastic Syndromes, Hereditary; Hereditary Cancer Syndrome. Identifiers: Orphanet 140162, MedGen C0027672, MeSH D009386, MONDO:0015356.
Tuberous sclerosis 1 (TSC1). Identifiers: Orphanet 805, MedGen C1854465, MONDO:0008612, OMIM 191100.

Submissions (4):

Labcorp Genetics (formerly Invitae), Labcorp
Classification: Likely benign for Tuberous sclerosis 1. Last evaluated: 2025-11-11. Review status: criteria provided, single submitter. Criteria: Invitae Variant Classification Sherloc (09022015). Collection method: clinical testing. Allele origin: germline.

Myriad Genetics, Inc.
Classification: Benign for Tuberous sclerosis 1. Last evaluated: 2025-04-10. Review status: criteria provided, single submitter. Criteria: Myriad Autosomal Dominant, Autosomal Recessive and X-Linked Classification Criteria (2023). Collection method: clinical testing. Allele origin: unknown.
Comment: This variant is considered benign. This variant is a silent/synonymous amino acid change and it is not expected to impact splicing.

Blueprint Genetics
Classification: Likely benign. Last evaluated: 2023-08-11. Review status: criteria provided, single submitter. Criteria: ACMG Guidelines, 2015. Collection method: clinical testing. Allele origin: germline.

Ambry Genetics
Classification: Likely benign for Hereditary cancer-predisposing syndrome. Last evaluated: 2020-06-12. Review status: criteria provided, single submitter. Criteria: Ambry Variant Classification Scheme 2023. Collection method: clinical testing. Allele origin: germline.